The following is an entry in ClinVar:

ClinVar aggregate classification (germline): Uncertain significance. Review status: criteria provided, multiple submitters, no conflicts (2 of 4 stars). 2 submissions from 2 submitters: Uncertain significance (2). Last evaluated 2025-01-13.

Conditions:
Cardiovascular phenotype. Identifiers: MedGen CN230736.

Allele frequency attached by ClinVar (database versions not stated): gnomAD exomes below 0.00001; ExAC 0.00006.
gnomAD v4.1: 1 of 1,547,126 alleles (0.000065%); highest among the groups gnomAD compares: East Asian, 0.0024%; no homozygotes.

Submissions (2):

Labcorp Genetics (formerly Invitae), Labcorp
Classification: Uncertain significance. Last evaluated: 2025-01-13. Review status: criteria provided, single submitter. Criteria: Invitae Variant Classification Sherloc (09022015). Collection method: clinical testing. Allele origin: germline.
Comment: This sequence change replaces proline, which is neutral and non-polar, with serine, which is neutral and polar, at codon 1577 of the ZNF469 protein (p.Pro1577Ser). The frequency data for this variant in the population databases is considered unreliable, as metrics indicate poor data quality at this position in the gnomAD database. This variant has not been reported in the literature in individuals affected with ZNF469-related conditions. ClinVar contains an entry for this variant (Variation ID: 1742696). An algorithm developed to predict the effect of missense changes on protein structure and function (PolyPhen-2) suggests that this variant is likely to be tolerated. In summary, the available evidence is currently insufficient to determine the role of this variant in disease. Therefore, it has been classified as a Variant of Uncertain Significance.

Ambry Genetics
Classification: Uncertain significance for Cardiovascular phenotype. Last evaluated: 2021-09-30. Review status: criteria provided, single submitter. Criteria: Ambry Variant Classification Scheme 2023. Collection method: clinical testing. Allele origin: germline.
Comment: The p.P1577S variant (also known as c.4729C>T), located in coding exon 2 of the ZNF469 gene, results from a C to T substitution at nucleotide position 4729. The proline at codon 1577 is replaced by serine, an amino acid with similar properties. This amino acid position is conserved. In addition, this alteration is predicted to be tolerated by in silico analysis. Since supporting evidence is limited at this time, the clinical significance of this alteration remains unclear.

NM_001367624.2(ZNF469):c.4813C>T (p.Pro1605Ser)

Gene: ZNF469 (zinc finger protein 469; plus strand). Cytogenetic location: 16q24.2.
Variant type: single nucleotide variant.
Coding change: c.4813C>T on transcript NM_001367624.2 (MANE Select); coding-DNA position 4813, C replaced by T.
Protein change: p.Pro1605Ser; replaces proline 1605 with serine.
Molecular consequence: missense variant.
Genome position (GRCh38, 1-based): chr16:88,432,283, C>T. VCF-style: chr16-88432283-C-T. GRCh37 (hg19) VCF-style: chr16-88498691-C-T.
Other names: NM_001127464.1:c.4729C>T; short protein forms P1605S.
Identifiers: ClinVar variation 1742696 (VCV001742696.4), dbSNP rs772083795, ClinGen allele CA8225008.